The following is an entry in ClinVar:

ClinVar aggregate classification (germline): Uncertain significance. Review status: criteria provided, multiple submitters, no conflicts (2 of 4 stars). 4 submissions from 4 submitters: Uncertain significance (3). 1 of the submissions does not count toward it. Last evaluated 2024-01-22.

Conditions:
Retinal dystrophy. Also called: Inherited retinal dystrophy. Identifiers: Orphanet 71862, MedGen C0854723, MeSH D058499, MONDO:0019118, HP:0000556.
Hereditary spastic paraplegia. Also called: Familial spastic paraparesis. Identifiers: Orphanet 685, MedGen C0037773, MONDO:0019064. Disease mechanism: loss of function.
Hereditary spastic paraplegia 48. Also called: Spastic paraplegia 48; SPASTIC PARAPLEGIA 48, AUTOSOMAL RECESSIVE. Identifiers: Orphanet 306511, MedGen C3150901, MONDO:0013342, OMIM 613647.

Allele frequency attached by ClinVar (database versions not stated): TOPMed 0.00003; gnomAD 0.00006 and 0.00007; gnomAD exomes 0.00008; ExAC 0.00019.
gnomAD v4.1: 158 of 1,580,558 alleles (0.01%); highest among the groups gnomAD compares: Non-Finnish European, 0.013%; no homozygotes.

Submissions (4):

Labcorp Genetics (formerly Invitae), Labcorp
Classification: Uncertain significance for Hereditary spastic paraplegia 48. Last evaluated: 2024-01-22. Review status: criteria provided, single submitter. Criteria: Invitae Variant Classification Sherloc (09022015). Collection method: clinical testing. Allele origin: germline.
Comment: This sequence change replaces proline, which is neutral and non-polar, with serine, which is neutral and polar, at codon 210 of the AP5Z1 protein (p.Pro210Ser). This variant is present in population databases (rs773542837, gnomAD 0.02%). This variant has not been reported in the literature in individuals affected with AP5Z1-related conditions. ClinVar contains an entry for this variant (Variation ID: 910691). Advanced modeling of protein sequence and biophysical properties (such as structural, functional, and spatial information, amino acid conservation, physicochemical variation, residue mobility, and thermodynamic stability) performed at Invitae indicates that this missense variant is not expected to disrupt AP5Z1 protein function with a negative predictive value of 80%. In summary, the available evidence is currently insufficient to determine the role of this variant in disease. Therefore, it has been classified as a Variant of Uncertain Significance.

Genome Diagnostics Laboratory, The Hospital for Sick Children
Classification: Uncertain significance for Hereditary spastic paraplegia. Last evaluated: 2019-12-01. Review status: criteria provided, single submitter. Criteria: ACMG Guidelines, 2015. Collection method: clinical testing. Allele origin: germline. Affected: yes.

Illumina Laboratory Services, Illumina
Classification: Uncertain significance for Hereditary spastic paraplegia 48. Last evaluated: 2018-01-13. Review status: criteria provided, single submitter. Criteria: ICSL Variant Classification Criteria 13 December 2019. Collection method: clinical testing. Allele origin: germline.

Institute of Human Genetics, Univ. Regensburg, Univ. Regensburg
Classification: Uncertain significance for Retinal dystrophy. Last evaluated: 2021-01-01. Review status: no assertion criteria provided. Criteria: ACMG Guidelines, 2015. Collection method: clinical testing. Allele origin: germline. Affected: yes. Not counted in ClinVar's aggregate classification.

NM_014855.3(AP5Z1):c.628C>T (p.Pro210Ser)

Gene: AP5Z1 (adaptor related protein complex 5 subunit zeta 1; plus strand). Cytogenetic location: 7p22.1.
Variant type: single nucleotide variant.
Coding change: c.628C>T on transcript NM_014855.3 (MANE Select); coding-DNA position 628, C replaced by T.
Protein change: p.Pro210Ser; replaces proline 210 with serine.
Molecular consequence: missense variant. On other transcripts: non-coding transcript variant (1).
Genome position (GRCh38, 1-based): chr7:4,784,209, C>T. VCF-style: chr7-4784209-C-T. GRCh37 (hg19) VCF-style: chr7-4823840-C-T.
Other names: c.160C>T, p.Pro54Ser (NM_001364858.1); short protein forms P54S, P210S.
Identifiers: ClinVar variation 910691 (VCV000910691.10), dbSNP rs773542837, ClinGen allele CA4137297.
Genomic context (GRCh38, chr7:4,784,209, plus strand): 5'-GCGTTTTTCCCGGCCTCGGCCCCCTCCGCCCACTCCTGCCTGTCCTTCCCACAGCCGGGC[C>T]CCGTCACCGAGGTGGACGGGGCGGTAGCCACAGACTTCTTCACGGTGCTCTCCAGCGGCC-3'
Protein context (NP_055670.1, residues 200-220): FSTPRARQPG[Pro210Ser]VTEVDGAVAT